The following is an entry in ClinVar:

ClinVar aggregate classification (germline): Benign/Likely benign. Review status: criteria provided, multiple submitters, no conflicts (2 of 4 stars). 3 submissions from 3 submitters: Benign (1); Likely benign (2). Last evaluated 2026-06-02.

Conditions:
Hereditary cancer-predisposing syndrome. Also called: Tumor predisposition; Hereditary Cancer Syndrome; Hereditary neoplastic syndrome; Neoplastic Syndromes, Hereditary. Identifiers: Orphanet 140162, MedGen C0027672, MeSH D009386, MONDO:0015356.
Gastrointestinal stromal tumor. Also called: Gastrointestinal stroma tumor; Gastrointestinal stromal tumor, somatic. Identifiers: Orphanet 44890, MedGen C0238198, MeSH D046152, MONDO:0011719, OMIM 606764, HP:0100723.

Submissions (3):

Myriad Genetics, Inc.
Classification: Benign for Gastrointestinal stromal tumor. Last evaluated: 2026-06-02. Review status: criteria provided, single submitter. Criteria: Myriad Autosomal Dominant, Autosomal Recessive and X-Linked Classification Criteria (2023). Collection method: clinical testing. Allele origin: unknown.
Comment: This variant is considered benign. This variant is a silent/synonymous amino acid change and it is not expected to impact splicing.

Labcorp Genetics (formerly Invitae), Labcorp
Classification: Likely benign for Gastrointestinal stromal tumor. Last evaluated: 2025-05-30. Review status: criteria provided, single submitter. Criteria: Invitae Variant Classification Sherloc (09022015). Collection method: clinical testing. Allele origin: germline.

Ambry Genetics
Classification: Likely benign for Hereditary cancer-predisposing syndrome. Last evaluated: 2024-03-09. Review status: criteria provided, single submitter. Criteria: Ambry Variant Classification Scheme 2023. Collection method: clinical testing. Allele origin: germline.

NM_000222.3(KIT):c.222G>T (p.Thr74=)

Gene: KIT (KIT proto-oncogene, receptor tyrosine kinase; plus strand). Cytogenetic location: 4q12.
Variant type: single nucleotide variant.
Coding change: c.222G>T on transcript NM_000222.3 (MANE Select); coding-DNA position 222, G replaced by T.
Protein change: p.Thr74=; no amino-acid change (threonine 74 retained).
Molecular consequence: synonymous variant.
Genome position (GRCh38, 1-based): chr4:54,695,666, G>T. VCF-style: chr4-54695666-G-T. GRCh37 (hg19) VCF-style: chr4-55561832-G-T.
Other names: c.222G>T, p.Thr74= (NM_001093772.2, NM_001385284.1, NM_001385285.1 and 4 more transcripts).
Identifiers: ClinVar variation 2180296 (VCV002180296.6), dbSNP rs762453840, ClinGen allele CA439409118.